The following is an entry in ClinVar:

NM_002185.5(IL7R):c.898_902del (p.Pro300fs)

Gene: IL7R (interleukin 7 receptor; plus strand). Cytogenetic location: 5p13.2.
Variant type: Deletion.
Coding change: c.898_902del on transcript NM_002185.5 (MANE Select); coding-DNA positions 898 to 902, 5 bases deleted (CCTGA; older notation c.898_902delCCTGA).
Protein change: p.Pro300fs; shifts the reading frame from proline 300.
Molecular consequence: frameshift variant. On other transcripts: non-coding transcript variant (1).
Genome position (GRCh38, 1-based): chr5:35,876,004-35,876,008, CCTGA deleted. VCF-style (leftmost placement, unchanged base first): chr5-35876003-TCCTGA-T. GRCh37 (hg19) VCF-style: chr5-35876105-TCCTGA-T.
Other names: c.*15_*19delCCTGA (NM_001410734.1); short protein forms P300fs.
Identifiers: ClinVar variation 2151998 (VCV002151998.3), dbSNP rs763041846, ClinGen allele CA3232156.
Genomic context (GRCh38, chr5:35,876,003, plus strand): 5'-CTGGTGCCATCTTAATACCCTTTCTCCTTTTTCTGTGCAGAATTTAAATGTGAGTTTCAA[TCCTGA>T]AAGTTTCCTGGACTGCCAGATTCATAGGGTGGATGACATTCAAGCTAGAGATGAAGTGGA-3'

ClinVar aggregate classification (germline): Conflicting classifications of pathogenicity. Review status: criteria provided, conflicting classifications (1 of 4 stars). 2 submissions from 2 submitters: Likely pathogenic (1); Uncertain significance (1). Last evaluated 2024-03-27.

Conditions:
Immunodeficiency 104. Also called: Severe Combined Immune Deficiency, Autosomal Recessive, TCell -Negative, B Cell-Positive, NK Cell-Positive, IL7R-Related; IMMUNODEFICIENCY 104, SEVERE COMBINED; Severe combined immunodeficiency, autosomal recessive, T cell-negative, B cell-positive, NK cell-positive; SCID, AUTOSOMAL RECESSIVE, T CELL-NEGATIVE, B CELL-POSITIVE, NK CELL-POSITIVE. Identifiers: MedGen C5676890, MONDO:0012163, OMIM 608971.

Allele frequency attached by ClinVar (database versions not stated): gnomAD exomes 0.00001; ExAC 0.00002; gnomAD 0.00003; TOPMed 0.00003.

Submissions (2):

Fulgent Genetics
Classification: Likely pathogenic for Immunodeficiency 104. Last evaluated: 2024-03-27. Review status: criteria provided, single submitter. Criteria: ACMG Guidelines, 2015. Collection method: clinical testing. Allele origin: germline.

Labcorp Genetics (formerly Invitae), Labcorp
Classification: Uncertain significance for Immunodeficiency 104. Last evaluated: 2022-03-19. Review status: criteria provided, single submitter. Criteria: Invitae Variant Classification Sherloc (09022015). Collection method: clinical testing. Allele origin: germline.
Comment: This sequence change creates a premature translational stop signal (p.Pro300Lysfs*9) in the IL7R gene. While this is not anticipated to result in nonsense mediated decay, it is expected to disrupt the last 160 amino acid(s) of the IL7R protein. The frequency data for this variant in the population databases is considered unreliable, as metrics indicate poor data quality at this position in the gnomAD database. This variant has not been reported in the literature in individuals affected with IL7R-related conditions. Algorithms developed to predict the effect of sequence changes on RNA splicing suggest that this variant may disrupt the consensus splice site. This variant disrupts the C-terminus of the IL7R protein. Other variant(s) that disrupt this region (p.Gln331Hisfs*2) have been observed in individuals with IL7R-related conditions (PMID: 26123418). This suggests that this may be a clinically significant region of the protein. In summary, the available evidence is currently insufficient to determine the role of this variant in disease. Therefore, it has been classified as a Variant of Uncertain Significance.

Literature cited by the submitters: PubMed 26123418 (cited by Labcorp Genetics (formerly Invitae), Labcorp).